The following is an entry in ClinVar:

NM_003743.5(NCOA1):c.380del (p.Val127fs)

Gene: NCOA1 (nuclear receptor coactivator 1; plus strand). Cytogenetic location: 2p23.3.
Variant type: Deletion.
Coding change: c.380del on transcript NM_003743.5 (MANE Select); coding-DNA position 380, one base deleted (T; older notation c.380delT).
Protein change: p.Val127fs; shifts the reading frame from valine 127.
Molecular consequence: frameshift variant.
Genome position (GRCh38, 1-based): chr2:24,682,976, T deleted. VCF-style (leftmost placement, unchanged base first): chr2-24682975-GT-G. GRCh37 (hg19) VCF-style: chr2-24905844-GT-G.
Other names: c.380del, p.Val127fs (NM_001362950.1, NM_001362952.1, NM_001362954.1 and 3 more transcripts); short protein forms V127fs.
Identifiers: ClinVar variation 3349373 (VCV003349373.1).

ClinVar aggregate classification (germline): Uncertain significance (0 of 4 stars; one submission).

Conditions:
NCOA1-related disorder. Also called: NCOA1-related condition.

Submission:

PreventionGenetics, part of Exact Sciences
Classification: Uncertain significance for NCOA1-related condition. Last evaluated: 2023-12-19. Review status: no assertion criteria provided. Collection method: clinical testing. Allele origin: germline.
Comment: The NCOA1 c.380delT variant is predicted to result in a frameshift and premature protein termination (p.Val127Glyfs*14). To our knowledge, this variant has not been reported in the literature or in a large population database, indicating this variant is rare. Loss of function is not an established mechanism for NCOA1-related disease. At this time, the clinical significance of this variant is uncertain due to the absence of conclusive functional and genetic evidence.